The following is an entry in ClinVar:

ClinVar aggregate classification (germline): Pathogenic/Likely pathogenic. Review status: criteria provided, multiple submitters, no conflicts (2 of 4 stars). 2 submissions from 2 submitters: Pathogenic (1); Likely pathogenic (1). Last evaluated 2022-05-16.

Conditions:
DNAH9-related disorder. Also called: DNAH9-related condition.

Allele frequency attached by ClinVar (database versions not stated): gnomAD exomes below 0.00001.
gnomAD v4.1: 1 of 1,614,078 alleles (0.000062%); highest among the groups gnomAD compares: Non-Finnish European, 0.000085%; no homozygotes.

Submissions (2):

Labcorp Genetics (formerly Invitae), Labcorp
Classification: Pathogenic. Last evaluated: 2022-05-16. Review status: criteria provided, single submitter. Criteria: Invitae Variant Classification Sherloc (09022015). Collection method: clinical testing. Allele origin: germline.
Comment: This sequence change creates a premature translational stop signal (p.Trp346*) in the DNAH9 gene. It is expected to result in an absent or disrupted protein product. Loss-of-function variants in DNAH9 are known to be pathogenic (PMID: 30471718). This variant is present in population databases (no rsID available, gnomAD 0.0009%). This variant has not been reported in the literature in individuals affected with DNAH9-related conditions. For these reasons, this variant has been classified as Pathogenic.

Blueprint Genetics
Classification: Likely pathogenic for DNAH9-related disorders. Last evaluated: 2021-04-22. Review status: criteria provided, single submitter. Criteria: ACMG Guidelines, 2015. Collection method: clinical testing. Allele origin: germline. Affected: yes. Observed: 1 variant allele.

Literature cited by the submitters: PubMed 30471718 (cited by Labcorp Genetics (formerly Invitae), Labcorp).

NM_001372.4(DNAH9):c.1038G>A (p.Trp346Ter)

Gene: DNAH9 (dynein axonemal heavy chain 9; plus strand). Cytogenetic location: 17p12.
Variant type: single nucleotide variant.
Coding change: c.1038G>A on transcript NM_001372.4 (MANE Select); coding-DNA position 1038, G replaced by A.
Protein change: p.Trp346Ter; replaces tryptophan 346 with a stop codon.
Molecular consequence: nonsense.
Genome position (GRCh38, 1-based): chr17:11,617,544, G>A. VCF-style: chr17-11617544-G-A. GRCh37 (hg19) VCF-style: chr17-11520861-G-A.
Other names: short protein forms W346*.
Identifiers: ClinVar variation 2129786 (VCV002129786.3), dbSNP rs1207050293, ClinGen allele CA398167864.
Genomic context (GRCh38, chr17:11,617,544, plus strand): 5'-AGAATTTCCGGAGGTGAAGCCCCAGCTGCGGCCCCTGCTCCACGTGGTCTGTCTGATTTG[G>A]GCCACATGCAAGTCCTACCGCTCCCCGGGAAGGCTGACTGTGCTGCTCCAGGAGATTTGC-3'